The following is an entry in ClinVar:

NM_000535.7(PMS2):c.251-6_251-3del

Gene: PMS2 (PMS1 homolog 2, mismatch repair system component; minus strand). Cytogenetic location: 7p22.1.
Variant type: Deletion.
Coding change: c.251-6_251-3del on transcript NM_000535.7 (MANE Select); 6 bases into the intron before coding-DNA position 251 through 3 bases into the intron before coding-DNA position 251, 4 bases deleted (TTTC; older notation c.251-6_251-3delTTTC).
Molecular consequence: intron variant.
Genome position (GRCh38, 1-based): chr7:6,003,795-6,003,798, GAAA deleted on the plus strand (TTTC on the coding strand, the reverse complement: PMS2 is on the minus strand); deleting any 4 consecutive bases within chr7:6,003,795-6,003,800 gives the same sequence; the c. name uses the placement nearest the transcript's 3' end. VCF-style (leftmost placement, unchanged base first): chr7-6003794-TGAAA-T. GRCh37 (hg19) VCF-style: chr7-6043425-TGAAA-T.
Other names: c.35+174_35+177del (NM_001322008.2, NM_001322007.2); c.-155-6_-155-3del (NM_001322010.2, NM_001322004.2, NM_001322013.2 and 3 more transcripts); c.-634-6_-634-3del (NM_001322012.2, NM_001322011.2); c.-234-6_-234-3del (NM_001322015.2); c.251-6_251-3del (NM_001322006.2, NM_001322014.2).
Identifiers: ClinVar variation 1049316 (VCV001049316.7), dbSNP rs2128827769, ClinGen allele CA2499218983.

ClinVar aggregate classification (germline): Uncertain significance. Review status: criteria provided, multiple submitters, no conflicts (2 of 4 stars). 3 submissions from 3 submitters: Uncertain significance (2). 1 of the submissions does not count toward it. Last evaluated 2025-04-29.

Conditions:
Hereditary nonpolyposis colorectal neoplasms. Identifiers: MedGen C0009405, MeSH D003123.
Hereditary cancer-predisposing syndrome. Also called: Tumor predisposition; Hereditary neoplastic syndrome; Hereditary Cancer Syndrome; Neoplastic Syndromes, Hereditary. Identifiers: Orphanet 140162, MedGen C0027672, MeSH D009386, MONDO:0015356.

Submissions (3):

Ambry Genetics
Classification: Uncertain significance for Hereditary cancer-predisposing syndrome. Last evaluated: 2025-04-29. Review status: criteria provided, single submitter. Criteria: Ambry Variant Classification Scheme 2023. Collection method: clinical testing. Allele origin: germline.
Comment: The c.251-6_251-3delTTTC intronic variant, located in intron 3 of the PMS2 gene, results from a deletion of 4 nucleotides within intron 3 of the PMS2 gene. This nucleotide region is generally well conserved in available vertebrate species. In silico splice site analysis predicts that this alteration will weaken the native splice acceptor site. Based on the available evidence, the clinical significance of this variant remains unclear.

Labcorp Genetics (formerly Invitae), Labcorp
Classification: Uncertain significance for Hereditary nonpolyposis colorectal neoplasms. Last evaluated: 2023-09-04. Review status: criteria provided, single submitter. Criteria: Invitae Variant Classification Sherloc (09022015). Collection method: clinical testing. Allele origin: germline.
Comment: This sequence change falls in intron 3 of the PMS2 gene. It does not directly change the encoded amino acid sequence of the PMS2 protein. This variant is not present in population databases (gnomAD no frequency). This variant has not been reported in the literature in individuals affected with PMS2-related conditions. ClinVar contains an entry for this variant (Variation ID: 1049316). Algorithms developed to predict the effect of sequence changes on RNA splicing suggest that this variant may disrupt the consensus splice site. In summary, the available evidence is currently insufficient to determine the role of this variant in disease. Therefore, it has been classified as a Variant of Uncertain Significance.

Department of Pathology and Laboratory Medicine, Sinai Health System
Classification: Uncertain significance. Review status: no assertion criteria provided. Collection method: clinical testing. Allele origin: unknown. Affected: yes. Study: The Canadian Open Genetics Repository (COGR). Not counted in ClinVar's aggregate classification.
Comment: The PMS2 c.251-6_251-3del variant was not identified in the literature nor was it identified in the dbSNP, ClinVar, COGR, Cosmic, Zhejiang Colon Cancer Database, Mismatch Repair Genes Variant Database, or the Insight Hereditary Tumors Database. The variant was not identified in the following control databases: the 1000 Genomes Project, the NHLBI GO Exome Sequencing Project, the Exome Aggregation Consortium (August 8th 2016), or the Genome Aggregation Database (Feb 27, 2017). The c.251-6_251-3del variant is located in the 3' splice region but does not affect the invariant -1 and -2 positions. However, positions -3 and -5 to -12 are part of the splicing consensus sequence and variants involving these positions sometimes affect splicing. In addition, 2 of 5 in silico or computational prediction software programs (SpliceSiteFinder, MaxEntScan, NNSPLICE, GeneSplicer, HumanSpliceFinder) predict a greater than 10% difference in splicing. In summary, based on the above information, the clinical significance of this variant cannot be determined with certainty at this time. This variant is classified as a variant of uncertain significance.